The following is an entry in ClinVar:

NM_001267550.2(TTN):c.64259T>C (p.Val21420Ala)

Genes: TTN (titin; minus strand), TTN-AS1 (TTN antisense RNA 1; plus strand). Cytogenetic location: 2q31.2.
Variant type: single nucleotide variant.
Coding change: c.64259T>C on transcript NM_001267550.2 (MANE Select); coding-DNA position 64259, T replaced by C.
Protein change: p.Val21420Ala; replaces valine 21420 with alanine.
Molecular consequence: missense variant.
Genome position (GRCh38, 1-based): chr2:178,586,642, A>G on the plus strand (T>C on the coding strand, the complement: TTN is on the minus strand). VCF-style: chr2-178586642-A-G. GRCh37 (hg19) VCF-style: chr2-179451369-A-G.
Other names: c.59336T>C, p.Val19779Ala (NM_001256850.1); c.37064T>C, p.Val12355Ala (NM_003319.4); c.56555T>C, p.Val18852Ala (NM_133378.4); c.37439T>C, p.Val12480Ala (NM_133432.3); c.37640T>C, p.Val12547Ala (NM_133437.4); short protein forms V12355A, V12480A, V12547A, V18852A, V19779A, V21420A.
Identifiers: ClinVar variation 4072525 (VCV004072525.1).

ClinVar aggregate classification (germline): Uncertain significance (1 of 4 stars; one submission).

gnomAD v4.1: 1 of 1,613,014 alleles (0.000062%); highest among the groups gnomAD compares: African/African-American, 0.0013%; no homozygotes.

Submission:

GeneDx
Classification: Uncertain significance. Last evaluated: 2025-02-04. Review status: criteria provided, single submitter. Criteria: GeneDx Variant Classification Process June 2021. Collection method: clinical testing. Allele origin: germline. Affected: yes.
Comment: Not observed at significant frequency in large population cohorts (gnomAD); Missense variant in a gene in which most reported pathogenic variants are truncating/loss of function; Has not been previously published as pathogenic or benign to our knowledge